The following is an entry in ClinVar:

NM_000051.4(ATM):c.6922G>A (p.Ala2308Thr)

Genes: ATM (ATM serine/threonine kinase; plus strand), C11orf65 (chromosome 11 open reading frame 65; minus strand). Cytogenetic location: 11q22.3.
Variant type: single nucleotide variant.
Coding change: c.6922G>A on transcript NM_000051.4 (MANE Select); coding-DNA position 6922, G replaced by A.
Protein change: p.Ala2308Thr; replaces alanine 2308 with threonine.
Molecular consequence: missense variant. On other transcripts: intron variant (2).
Genome position (GRCh38, 1-based): chr11:108,326,172, G>A. VCF-style: chr11-108326172-G-A. GRCh37 (hg19) VCF-style: chr11-108196899-G-A.
Other names: c.6922G>A, p.Ala2308Thr (NM_001351834.2); c.641-17101C>T (NM_001330368.2); c.*38+9048C>T (NM_001351110.2); short protein forms A2308T.
Identifiers: ClinVar variation 964969 (VCV000964969.11), dbSNP rs1591134072, ClinGen allele CA382557092.

ClinVar aggregate classification (germline): Uncertain significance. Review status: criteria provided, multiple submitters, no conflicts (2 of 4 stars). 3 submissions from 3 submitters: Uncertain significance (3). Last evaluated 2025-10-20.

Conditions:
Hereditary cancer-predisposing syndrome. Also called: Tumor predisposition; Neoplastic Syndromes, Hereditary; Hereditary neoplastic syndrome; Hereditary Cancer Syndrome. Identifiers: Orphanet 140162, MedGen C0027672, MeSH D009386, MONDO:0015356.
Ataxia-telangiectasia syndrome (AT). Also called: Ataxia-telangiectasia, complementation group D; AT, COMPLEMENTATION GROUP C; ATAXIA-TELANGIECTASIA, COMPLEMENTATION GROUP A; ATAXIA-TELANGIECTASIA, FRESNO VARIANT; Ataxia-telangiectasia; Ataxia telangiectasia (A-T). Identifiers: Orphanet 100, MedGen C0004135, MONDO:0008840, OMIM 208900.

Allele frequency attached by ClinVar (database versions not stated): gnomAD exomes below 0.00001.
gnomAD v4.1: 1 of 1,614,106 alleles (0.000062%); highest among the groups gnomAD compares: Non-Finnish European, 0.000085%; no homozygotes.

Submissions (3):

Ambry Genetics
Classification: Uncertain significance for Hereditary cancer-predisposing syndrome. Last evaluated: 2025-10-20. Review status: criteria provided, single submitter. Criteria: Ambry Variant Classification Scheme 2023. Collection method: clinical testing. Allele origin: germline.
Comment: The p.A2308T variant (also known as c.6922G>A), located in coding exon 46 of the ATM gene, results from a G to A substitution at nucleotide position 6922. The alanine at codon 2308 is replaced by threonine, an amino acid with similar properties. In an assay testing ATM function, this variant showed a functionally abnormal result (Lee KS et al. Cell, 2025 Sep;188:5081-5099.e27). This amino acid position is highly conserved in available vertebrate species. In addition, this alteration is predicted to be deleterious by in silico analysis. Based on the available evidence, the clinical significance of this variant remains unclear.

Women's Health and Genetics/Laboratory Corporation of America, LabCorp
Classification: Uncertain significance. Last evaluated: 2022-11-14. Review status: criteria provided, single submitter. Criteria: LabCorp Variant Classification Summary - May 2015. Collection method: clinical testing. Allele origin: germline.
Comment: Variant summary: ATM c.6922G>A (p.Ala2308Thr) results in a non-conservative amino acid change located in the PIK-related kinase domain (IPR014009) of the encoded protein sequence. Five of five in-silico tools predict a damaging effect of the variant on protein function. The variant was absent in 251350 control chromosomes (gnomAD). The available data on variant occurrences in the general population are insufficient to allow any conclusion about variant significance. To our knowledge, no occurrence of c.6922G>A in individuals affected with Ataxia-Telangiectasia and no experimental evidence demonstrating its impact on protein function have been reported. A ClinVar submitter (evaluation after 2014) cites the variant as uncertain significance. Based on the evidence outlined above, the variant was classified as uncertain significance.

Labcorp Genetics (formerly Invitae), Labcorp
Classification: Uncertain significance for Ataxia-telangiectasia syndrome. Last evaluated: 2021-09-01. Review status: criteria provided, single submitter. Criteria: Invitae Variant Classification Sherloc (09022015). Collection method: clinical testing. Allele origin: germline.
Comment: This sequence change replaces alanine with threonine at codon 2308 of the ATM protein (p.Ala2308Thr). The alanine residue is highly conserved and there is a small physicochemical difference between alanine and threonine. This variant is not present in population databases (ExAC no frequency). This variant has not been reported in the literature in individuals affected with ATM-related conditions. Algorithms developed to predict the effect of missense changes on protein structure and function (SIFT, PolyPhen-2, Align-GVGD) all suggest that this variant is likely to be disruptive. In summary, the available evidence is currently insufficient to determine the role of this variant in disease. Therefore, it has been classified as a Variant of Uncertain Significance.

Literature cited by the submitters: PubMed 40580951 (cited by Ambry Genetics).